The following is an entry in ClinVar:

NM_000552.5(VWF):c.6015C>T (p.Ile2005=)

Gene: VWF (von Willebrand factor; minus strand). Cytogenetic location: 12p13.31.
Variant type: single nucleotide variant.
Coding change: c.6015C>T on transcript NM_000552.5 (MANE Select); coding-DNA position 6015, C replaced by T.
Protein change: p.Ile2005=; no amino-acid change (isoleucine 2005 retained).
Molecular consequence: synonymous variant.
Genome position (GRCh38, 1-based): chr12:5,996,050, G>A on the plus strand (C>T on the coding strand, the complement: VWF is on the minus strand). VCF-style: chr12-5996050-G-A. GRCh37 (hg19) VCF-style: chr12-6105216-G-A.
Identifiers: ClinVar variation 801311 (VCV000801311.4), dbSNP rs575042694, ClinGen allele CA6402108.

ClinVar aggregate classification (germline): Likely benign. Review status: criteria provided, single submitter (1 of 4 stars). 2 submissions from 2 submitters: Likely benign (1). 1 of the submissions does not count toward it. Last evaluated 2019-08-19.

Conditions:
VWF-related disorder. Also called: VWF-related disorders; VWF-related condition.

Allele frequency attached by ClinVar (database versions not stated): gnomAD exomes 0.00003 and 0.00018; gnomAD 0.00004 and 0.00005; TOPMed 0.00006; ExAC 0.00014; 1000 Genomes Project 0.00020; 1000 Genomes Project 30x 0.00031.
gnomAD v4.1: 59 of 1,613,712 alleles (0.0037%); highest among the groups gnomAD compares: East Asian, 0.078%; no homozygotes.

Submissions (2):

Quest Diagnostics Nichols Institute San Juan Capistrano
Classification: Likely benign. Last evaluated: 2019-08-19. Review status: criteria provided, single submitter. Criteria: Quest Diagnostics criteria. Collection method: clinical testing. Allele origin: germline.

PreventionGenetics, part of Exact Sciences
Classification: Likely benign for VWF-related condition. Last evaluated: 2019-07-01. Review status: no assertion criteria provided. Collection method: clinical testing. Allele origin: germline. Not counted in ClinVar's aggregate classification.
Comment: This variant is classified as likely benign based on ACMG/AMP sequence variant interpretation guidelines (Richards et al. 2015 PMID: 25741868, with internal and published modifications).